The following is an entry in ClinVar:

NM_006031.6(PCNT):c.6810G>C (p.Gln2270His)

Gene: PCNT (pericentrin; plus strand). Cytogenetic location: 21q22.3.
Variant type: single nucleotide variant.
Coding change: c.6810G>C on transcript NM_006031.6 (MANE Select); coding-DNA position 6810, G replaced by C.
Protein change: p.Gln2270His; replaces glutamine 2270 with histidine.
Molecular consequence: missense variant.
Genome position (GRCh38, 1-based): chr21:46,416,728, G>C. VCF-style: chr21-46416728-G-C. GRCh37 (hg19) VCF-style: chr21-47836642-G-C.
Other names: c.6456G>C, p.Gln2152His (NM_001315529.2); short protein forms Q2152H, Q2270H.
Identifiers: ClinVar variation 2837393 (VCV002837393.1), dbSNP rs2087040680, ClinGen allele CA410564688.

ClinVar aggregate classification (germline): Uncertain significance (1 of 4 stars; one submission).

Allele frequency attached by ClinVar (database versions not stated): TOPMed 0.00001.

Submission:

Labcorp Genetics (formerly Invitae), Labcorp
Classification: Uncertain significance. Last evaluated: 2023-03-20. Review status: criteria provided, single submitter. Criteria: Invitae Variant Classification Sherloc (09022015). Collection method: clinical testing. Allele origin: germline.
Comment: In summary, the available evidence is currently insufficient to determine the role of this variant in disease. Therefore, it has been classified as a Variant of Uncertain Significance. An algorithm developed to predict the effect of missense changes on protein structure and function (PolyPhen-2) suggests that this variant is likely to be disruptive. This variant has not been reported in the literature in individuals affected with PCNT-related conditions. This variant is not present in population databases (gnomAD no frequency). This sequence change replaces glutamine, which is neutral and polar, with histidine, which is basic and polar, at codon 2270 of the PCNT protein (p.Gln2270His).